The following is an entry in ClinVar:

NM_001130987.2(DYSF):c.2341A>G (p.Ser781Gly)

Gene: DYSF (dysferlin; plus strand). Cytogenetic location: 2p13.2.
Variant type: single nucleotide variant.
Coding change: c.2341A>G on transcript NM_001130987.2 (MANE Select); coding-DNA position 2341, A replaced by G.
Protein change: p.Ser781Gly; replaces serine 781 with glycine.
Molecular consequence: missense variant.
Genome position (GRCh38, 1-based): chr2:71,561,876, A>G. VCF-style: chr2-71561876-A-G. GRCh37 (hg19) VCF-style: chr2-71789006-A-G.
Other names: c.2290A>G, p.Ser764Gly (NM_001130455.2, NM_001130983.2); c.2245A>G, p.Ser749Gly (NM_001130976.2, NM_001130977.2); c.2287A>G, p.Ser763Gly (NM_001130978.2, NM_003494.4); c.2380A>G, p.Ser794Gly (NM_001130979.2); c.2338A>G, p.Ser780Gly (NM_001130980.2, NM_001130981.2); c.2383A>G, p.Ser795Gly (NM_001130982.2); c.2248A>G, p.Ser750Gly (NM_001130984.2, NM_001130986.2); c.2341A>G, p.Ser781Gly (NM_001130985.2); short protein forms S750G, S749G, S764G, S763G, S780G, S781G, S794G, S795G.
Identifiers: ClinVar variation 958094 (VCV000958094.4), dbSNP rs2091794465, ClinGen allele CA347209687.

ClinVar aggregate classification (germline): Uncertain significance (1 of 4 stars; one submission).

Conditions:
Neuromuscular disease caused by qualitative or quantitative defects of dysferlin. Also called: Qualitative or quantitative defects of dysferlin; Dysferlinopathy. Identifiers: Orphanet 207073, MedGen C2931687, MONDO:0016145.

Allele frequency attached by ClinVar (database versions not stated): gnomAD exomes below 0.00001.

Submission:

Labcorp Genetics (formerly Invitae), Labcorp
Classification: Uncertain significance for Neuromuscular disease caused by qualitative or quantitative defects of dysferlin. Last evaluated: 2021-08-28. Review status: criteria provided, single submitter. Criteria: Invitae Variant Classification Sherloc (09022015). Collection method: clinical testing. Allele origin: germline.
Comment: This sequence change replaces serine with glycine at codon 763 of the DYSF protein (p.Ser763Gly). The serine residue is moderately conserved and there is a small physicochemical difference between serine and glycine. This variant is not present in population databases (ExAC no frequency). This variant has not been reported in the literature in individuals affected with DYSF-related conditions. Algorithms developed to predict the effect of missense changes on protein structure and function output the following: SIFT: "Tolerated"; PolyPhen-2: "Benign"; Align-GVGD: "Class C0". The glycine amino acid residue is found in multiple mammalian species, which suggests that this missense change does not adversely affect protein function. Algorithms developed to predict the effect of sequence changes on RNA splicing suggest that this variant may create or strengthen a splice site. In summary, the available evidence is currently insufficient to determine the role of this variant in disease. Therefore, it has been classified as a Variant of Uncertain Significance.